The following is an entry in ClinVar:

ClinVar aggregate classification (germline): Benign (1 of 4 stars; one submission).

Allele frequency attached by ClinVar (database versions not stated): 1000 Genomes Project 30x 0.00703; 1000 Genomes Project 0.00719; gnomAD 0.00901; ESP Exome Variant Server 0.00953; TOPMed 0.01017; ExAC 0.01073; gnomAD exomes 0.01197.
gnomAD v4.1: 18,949 of 1,613,628 alleles (1.2%); highest among the groups gnomAD compares: Middle Eastern, 1.6%; 137 homozygotes.

Submission:

CeGaT Center for Human Genetics Tuebingen
Classification: Benign. Last evaluated: 2022-05-01. Review status: criteria provided, single submitter. Criteria: CeGaT Center For Human Genetics Tuebingen Variant Classification Criteria Version 2. Collection method: clinical testing. Allele origin: germline. Affected: yes. Observed: 1 variant allele.
Comment: GRM3: BP4, BS1, BS2

NM_000840.3(GRM3):c.1424G>A (p.Gly475Asp)

Gene: GRM3 (glutamate metabotropic receptor 3; plus strand). Cytogenetic location: 7q21.12.
Variant type: single nucleotide variant.
Coding change: c.1424G>A on transcript NM_000840.3 (MANE Select); coding-DNA position 1424, G replaced by A.
Protein change: p.Gly475Asp; replaces glycine 475 with aspartic acid.
Molecular consequence: missense variant. On other transcripts: intron variant (1).
Genome position (GRCh38, 1-based): chr7:86,838,938, G>A. VCF-style: chr7-86838938-G-A. GRCh37 (hg19) VCF-style: chr7-86468254-G-A.
Other names: c.1325-11432G>A (NM_001363522.2); short protein forms G475D.
Identifiers: ClinVar variation 2657657 (VCV002657657.24), dbSNP rs17161026, ClinGen allele CA4324166.